The following is an entry in ClinVar:

NM_032634.4(PIGO):c.789G>A (p.Val263=)

Gene: PIGO (phosphatidylinositol glycan anchor biosynthesis class O; minus strand). Cytogenetic location: 9p13.3.
Variant type: single nucleotide variant.
Coding change: c.789G>A on transcript NM_032634.4 (MANE Select); coding-DNA position 789, G replaced by A.
Protein change: p.Val263=; no amino-acid change (valine 263 retained).
Molecular consequence: synonymous variant.
Genome position (GRCh38, 1-based): chr9:35,093,571, C>T on the plus strand (G>A on the coding strand, the complement: PIGO is on the minus strand). VCF-style: chr9-35093571-C-T. GRCh37 (hg19) VCF-style: chr9-35093568-C-T.
Other names: c.789G>A, p.Val263= (NM_001201484.2, NM_152850.4).
Identifiers: ClinVar variation 473236 (VCV000473236.17), dbSNP rs750328169, ClinGen allele CA5040823.

ClinVar aggregate classification (germline): Likely benign. Review status: criteria provided, multiple submitters, no conflicts (2 of 4 stars). 4 submissions from 4 submitters: Likely benign (3). 1 of the submissions does not count toward it. Last evaluated 2025-12-17.

Conditions:
PIGO-related disorder. Also called: PIGO-related condition.
Hyperphosphatasia with impaired intellectual development syndrome 2. Also called: GLYCOSYLPHOSPHATIDYLINOSITOL BIOSYNTHESIS DEFECT 6; Hyperphosphatasia with intellectual disability syndrome 2. Identifiers: Orphanet 247262, MedGen C3553637, MONDO:0013882, OMIM 614749.

Allele frequency attached by ClinVar (database versions not stated): TOPMed 0.00008; gnomAD exomes 0.00010 and 0.00014; ExAC 0.00017; gnomAD 0.00004 and 0.00009.
gnomAD v4.1: 160 of 1,608,602 alleles (0.0099%); highest among the groups gnomAD compares: South Asian, 0.086%; 1 homozygote.

Submissions (4):

Labcorp Genetics (formerly Invitae), Labcorp
Classification: Likely benign for Hyperphosphatasia with impaired intellectual development syndrome 2. Last evaluated: 2025-12-17. Review status: criteria provided, single submitter. Criteria: Invitae Variant Classification Sherloc (09022015). Collection method: clinical testing. Allele origin: germline.

Blueprint Genetics
Classification: Likely benign. Last evaluated: 2024-04-24. Review status: criteria provided, single submitter. Criteria: ACMG Guidelines, 2015. Collection method: clinical testing. Allele origin: germline.

GeneDx
Classification: Likely benign. Last evaluated: 2021-01-21. Review status: criteria provided, single submitter. Criteria: GeneDx Variant Classification Process June 2021. Collection method: clinical testing. Allele origin: germline. Affected: yes.

PreventionGenetics, part of Exact Sciences
Classification: Likely benign for PIGO-related condition. Last evaluated: 2019-06-11. Review status: no assertion criteria provided. Collection method: clinical testing. Allele origin: germline. Not counted in ClinVar's aggregate classification.
Comment: This variant is classified as likely benign based on ACMG/AMP sequence variant interpretation guidelines (Richards et al. 2015 PMID: 25741868, with internal and published modifications).